The following is an entry in ClinVar:

ClinVar aggregate classification (germline): Uncertain significance (1 of 4 stars; one submission).

Conditions:
Symmetrical dyschromatosis of extremities (DSH). Also called: Dyschromatosis symmetrica hereditaria; RETICULATE ACROPIGMENTATION OF DOHI; SYMMETRIC DYSCHROMATOSIS OF THE EXTREMITIES; DYSCHROMATOSIS SYMMETRICA HEREDITARIA 1. Identifiers: Orphanet 41, MedGen C0406775, MONDO:0007483, OMIM 127400.
Aicardi-Goutieres syndrome 6 (AGS6). Identifiers: Orphanet 51, MedGen C3539013, MONDO:0014007, OMIM 615010.

Allele frequency attached by ClinVar (database versions not stated): gnomAD exomes below 0.00001.
gnomAD v4.1: 2 of 1,614,204 alleles (0.00012%); highest among the groups gnomAD compares: East Asian, 0.0045%; no homozygotes.

Submission:

Labcorp Genetics (formerly Invitae), Labcorp
Classification: Uncertain significance for Aicardi-Goutieres syndrome 6; Symmetrical dyschromatosis of extremities. Last evaluated: 2025-04-21. Review status: criteria provided, single submitter. Criteria: Invitae Variant Classification Sherloc (09022015). Collection method: clinical testing. Allele origin: germline.
Comment: This sequence change replaces leucine, which is neutral and non-polar, with phenylalanine, which is neutral and non-polar, at codon 25 of the ADAR protein (p.Leu25Phe). This variant is present in population databases (no rsID available, gnomAD 0.01%). This variant has not been reported in the literature in individuals affected with ADAR-related conditions. ClinVar contains an entry for this variant (Variation ID: 2088578). An algorithm developed to predict the effect of missense changes on protein structure and function outputs the following: PolyPhen-2: "Benign". The phenylalanine amino acid residue is found in multiple mammalian species, which suggests that this missense change does not adversely affect protein function. In summary, the available evidence is currently insufficient to determine the role of this variant in disease. Therefore, it has been classified as a Variant of Uncertain Significance.

NM_001111.5(ADAR):c.73C>T (p.Leu25Phe)

Gene: ADAR (adenosine deaminase RNA specific; minus strand). Cytogenetic location: 1q21.3.
Variant type: single nucleotide variant.
Coding change: c.73C>T on transcript NM_001111.5 (MANE Select); coding-DNA position 73, C replaced by T.
Protein change: p.Leu25Phe; replaces leucine 25 with phenylalanine.
Molecular consequence: missense variant. On other transcripts: 5 prime UTR variant (6).
Genome position (GRCh38, 1-based): chr1:154,602,569, G>A on the plus strand (C>T on the coding strand, the complement: ADAR is on the minus strand). VCF-style: chr1-154602569-G-A. GRCh37 (hg19) VCF-style: chr1-154575045-G-A.
Other names: c.-813C>T (NM_001025107.3, NM_001193495.2, NM_001365048.1); c.100C>T, p.Leu34Phe (NM_001365045.1); c.-677C>T (NM_001365046.1, NM_001365047.1, NM_001365049.1); c.73C>T, p.Leu25Phe (NM_015840.4, NM_015841.4); short protein forms L34F, L25F.
Identifiers: ClinVar variation 2088578 (VCV002088578.4), dbSNP rs1476700978, ClinGen allele CA342607228.
Genomic context (GRCh38, chr1:154,602,569, plus strand): 5'-CTATTTGCTTAAGCAGGAAACTACTGGGGGAAGATCCTGGCCCAGGCTGCTGGTACCTGA[G>A]CTGTCTGTGCTCATAGCCTTGAAATGGATGGGTGTAGTATCCGCTGAGGGAATACCCCTG-3'
Protein context (NP_001102.3, residues 15-35): HPFQGYEHRQ[Leu25Phe]RYQQPGPGSS